The following is an entry in ClinVar:

NM_001378778.1(MPDZ):c.394G>A (p.Gly132Ser)

Gene: MPDZ (multiple PDZ domain crumbs cell polarity complex component; minus strand). Cytogenetic location: 9p23.
Variant type: single nucleotide variant.
Coding change: c.394G>A on transcript NM_001378778.1 (MANE Select); coding-DNA position 394, G replaced by A.
Protein change: p.Gly132Ser; replaces glycine 132 with serine.
Molecular consequence: missense variant.
Genome position (GRCh38, 1-based): chr9:13,223,710, C>T on the plus strand (G>A on the coding strand, the complement: MPDZ is on the minus strand). VCF-style: chr9-13223710-C-T. GRCh37 (hg19) VCF-style: chr9-13223709-C-T.
Other names: c.394G>A, p.Gly132Ser (NM_001261406.2, NM_001261407.2, NM_001330637.2 and 14 more transcripts); c.394G>A (NM_003829.3); short protein forms G132S.
Identifiers: ClinVar variation 992337 (VCV000992337.21), dbSNP rs201101621, ClinGen allele CA4988124.

ClinVar aggregate classification (germline): Conflicting classifications of pathogenicity. Review status: criteria provided, conflicting classifications (1 of 4 stars). 13 submissions from 13 submitters: Pathogenic (1); Likely pathogenic (3); Uncertain significance (8). 1 of the submissions does not count toward it. Last evaluated 2025-09-10.

Conditions:
Inborn genetic diseases. Identifiers: MedGen C0950123, MeSH D030342.
MPDZ-related disorder. Also called: MPDZ-related condition.
Hydrocephalus, nonsyndromic, autosomal recessive 2. Also called: Hydrocephalus, congenital, 2, with or without brain or eye anomalies. Identifiers: Orphanet 2185, MedGen C3554691, MONDO:0014085, OMIM 615219.

Allele frequency attached by ClinVar (database versions not stated): gnomAD 0.00012 and 0.00007; gnomAD exomes 0.00021 and 0.00033; 1000 Genomes Project 0.00040; TOPMed 0.00011; 1000 Genomes Project 30x 0.00031; ExAC 0.00067.
gnomAD v4.1: 322 of 1,594,168 alleles (0.02%); highest among the groups gnomAD compares: Middle Eastern, 0.18%; 1 homozygote.

Submissions (13):

Labcorp Genetics (formerly Invitae), Labcorp
Classification: Likely pathogenic. Last evaluated: 2025-09-10. Review status: criteria provided, single submitter. Criteria: Invitae Variant Classification Sherloc (09022015). Collection method: clinical testing. Allele origin: germline.
Comment: This sequence change replaces glycine, which is neutral and non-polar, with serine, which is neutral and polar, at codon 132 of the MPDZ protein (p.Gly132Ser). RNA analysis indicates that this missense change induces altered splicing and may result in an absent or altered protein product. This variant is present in population databases (rs201101621, gnomAD 0.2%). This missense change has been observed in individual(s) with congenital hydrocephalus (PMID: 29499638). ClinVar contains an entry for this variant (Variation ID: 992337). An algorithm developed to predict the effect of missense changes on protein structure and function (PolyPhen-2) suggests that this variant is likely to be disruptive. Experimental studies have shown that this missense change does not substantially affect MPDZ function (PMID: 29499638). Studies have shown that this missense change alters mRNA splicing and is expected to lead to the loss of protein expression (PMID: 29499638). In summary, the currently available evidence indicates that the variant is pathogenic, but additional data are needed to prove that conclusively. Therefore, this variant has been classified as Likely Pathogenic.

Women's Health and Genetics/Laboratory Corporation of America, LabCorp
Classification: Likely pathogenic for Hydrocephalus, nonsyndromic, autosomal recessive 2. Last evaluated: 2025-05-27. Review status: criteria provided, single submitter. Criteria: LabCorp Variant Classification Summary - May 2015. Collection method: clinical testing. Allele origin: germline.
Comment: Variant summary: MPDZ c.394G>A (p.Gly132Ser) results in a non-conservative amino acid change in the encoded protein sequence. Algorithms developed to predict the effect of missense changes on protein structure and function are either unavailable or do not agree on the potential impact of this missense change. Several computational tools predict a significant impact on normal splicing: Four predict the variant weakens a 3' acceptor site. At least one publication reports experimental evidence that this variant affects mRNA splicing showing the variant to result in exon 5 skipping (Al-Jezawi_2018). The variant allele was found at a frequency of 0.00033 in 214804 control chromosomes. This frequency is not significantly higher than estimated for a pathogenic variant in MPDZ causing Hydrocephalus, Nonsyndromic, Autosomal Recessive 2, allowing no conclusion about variant significance. c.394G>A has been observed in an individual affected with Congenital hydrocephalus (Al-Jezawi_2018). The following publications have been ascertained in the context of this evaluation (PMID: 29499638, 33854687, 35186329). ClinVar contains an entry for this variant (Variation ID: 992337). Based on the evidence outlined above, the variant was classified as likely pathogenic.

First Genomix Gene Laboratory, Genetic Diagnostics Department
Classification: Likely pathogenic for Hydrocephalus, nonsyndromic, autosomal recessive 2. Last evaluated: 2025-01-06. Review status: criteria provided, single submitter. Criteria: ACMG Guidelines, 2015. Collection method: clinical testing. Allele origin: germline. Inheritance: Autosomal recessive inheritance. Affected: no. Observed: 1 variant allele.

Blueprint Genetics
Classification: Uncertain significance. Last evaluated: 2024-11-27. Review status: criteria provided, single submitter. Criteria: ACMG Guidelines, 2015. Collection method: clinical testing. Allele origin: germline.

Revvity Omics, Revvity
Classification: Uncertain significance for Hydrocephalus, nonsyndromic, autosomal recessive 2. Last evaluated: 2024-04-19. Review status: criteria provided, single submitter. Criteria: ACMG Guidelines, 2015. Collection method: clinical testing. Allele origin: germline.

Genomic Medicine Center of Excellence, King Faisal Specialist Hospital and Research Centre
Classification: Uncertain significance for Hydrocephalus, nonsyndromic, autosomal recessive 2. Last evaluated: 2024-03-26. Review status: criteria provided, single submitter. Criteria: ACMG Guidelines, 2015. Collection method: clinical testing. Allele origin: germline.

Department of Pathology and Laboratory Medicine, Sinai Health System
Classification: Uncertain significance for Hydrocephalus, nonsyndromic, autosomal recessive 2. Last evaluated: 2022-09-15. Review status: criteria provided, single submitter. Criteria: ACMG Guidelines, 2015. Collection method: research. Allele origin: germline.

Ambry Genetics
Classification: Uncertain significance for Inborn genetic diseases. Last evaluated: 2022-06-03. Review status: criteria provided, single submitter. Criteria: Ambry Variant Classification Scheme 2023. Collection method: clinical testing. Allele origin: germline.

Greenwood Genetic Center Diagnostic Laboratories, Greenwood Genetic Center
Classification: Uncertain significance. Last evaluated: 2020-09-21. Review status: criteria provided, single submitter. Criteria: ACMG Guidelines, 2015. Collection method: clinical testing. Allele origin: germline. Affected: yes.

Baylor Genetics
Classification: Uncertain significance for Hydrocephalus, nonsyndromic, autosomal recessive 2. Last evaluated: 2020-07-13. Review status: criteria provided, single submitter. Criteria: ACMG Guidelines, 2015. Collection method: clinical testing. Allele origin: unknown. Affected: yes.
Comment: This variant was determined to be of uncertain significance according to ACMG Guidelines, 2015 [PMID:25741868].

Dubai Health Genomic Medicine Center, Dubai Health
Classification: Uncertain significance for Hydrocephalus, nonsyndromic, autosomal recessive 2. Last evaluated: 2020-03-16. Review status: criteria provided, single submitter. Criteria: ACMG Guidelines, 2015. Collection method: clinical testing. Allele origin: germline. Affected: yes.
Comment: The p.Gly132Ser in MPDZ (NM_003829.4) has been previously reported in compound heterozygous state with another rare missense variant in one patient with communicating hydrocephaly (PMID: 29499638). This variant is also observed in 51/27610 (0.1847% 0 homozygotes) South Asian alleles in the Genome Aggregation Database (gnomAD) and in 9/1981 (0.45% 0 homozygotes) alleles in the Greater Middle East (GME) Variome database. This frequency is relatively high but can still be consistent with autosomal recessive inheritance. This variant impacts the first nucleotide of exon 5 and has been shown by an in vitro splicing assay to alter splicing leading to this exon skipping (PMID: 29499638). In summary more functional and case-level information is needed to determine the clinical significance of this variant.

Juno Genomics, Hangzhou Juno Genomics, Inc
Classification: Pathogenic for Hydrocephalus, nonsyndromic, autosomal recessive 2. Review status: criteria provided, single submitter. Criteria: ACMG Guidelines, 2015. Collection method: clinical testing. Allele origin: germline. Affected: yes.
Comment: Absent from controls (or at extremely low frequency if recessive) in Genome Aggregation Database, Exome Sequencing Project, 1000 Genomes Project, or Exome Aggregation Consortium.;Null variant in a gene where loss of function (LOF) is a known mechanism of disease.;Patient's phenotype or family history is highly specific for a disease with a single genetic etiology.

PreventionGenetics, part of Exact Sciences
Classification: Uncertain significance for MPDZ-related condition. Last evaluated: 2024-05-03. Review status: no assertion criteria provided. Collection method: clinical testing. Allele origin: germline. Not counted in ClinVar's aggregate classification.
Comment: The MPDZ c.394G>A variant is predicted to result in the amino acid substitution p.Gly132Ser. This variant has been reported in the compound heterozygous state in at least one individual with hydrocephalus (Al-Shamsi et al. 2016. PubMed ID: 27391121; Al-Jezawi et al. 2018. PubMed ID: 29499638). This variant was also documented in the heterozygous state in an individual with acromesomelic dysplasia and Arnold Chiari malformation; however, this individual also carried a pathogenic variant in FGFR3 (Maurya et al. 2021. PubMed ID: 33854687). A mini-gene assay suggested that this variant may result in the skipping of exon 5 (Figure 3, Al-Jezawi et al. 2018. PubMed ID: 29499638). This variant is reported in 0.18% of alleles in individuals of South Asian descent in gnomAD and has conflicting interpretations of pathogenicity in ClinVar ranging from uncertain to likely pathogenic. Although we suspect that this variant may be pathogenic, at this time, the clinical significance of this variant is uncertain due to the absence of conclusive functional and genetic evidence.

Literature cited by the submitters: PubMed 29499638 (cited by 3 submitters); PubMed 35186329 (cited by Women's Health and Genetics/Laboratory Corporation of America, LabCorp); PubMed 33854687 (cited by Women's Health and Genetics/Laboratory Corporation of America, LabCorp).